The following is an entry in ClinVar:

ClinVar aggregate classification (germline): Uncertain significance (1 of 4 stars; one submission).

Submission:

Labcorp Genetics (formerly Invitae), Labcorp
Classification: Uncertain significance. Last evaluated: 2023-11-27. Review status: criteria provided, single submitter. Criteria: Invitae Variant Classification Sherloc (09022015). Collection method: clinical testing. Allele origin: germline.
Comment: This sequence change replaces isoleucine, which is neutral and non-polar, with threonine, which is neutral and polar, at codon 137 of the MYO7A protein (p.Ile137Thr). This variant is not present in population databases (gnomAD no frequency). This variant has not been reported in the literature in individuals affected with MYO7A-related conditions. ClinVar contains an entry for this variant (Variation ID: 1017816). Advanced modeling of protein sequence and biophysical properties (such as structural, functional, and spatial information, amino acid conservation, physicochemical variation, residue mobility, and thermodynamic stability) has been performed at Invitae for this missense variant, however the output from this modeling did not meet the statistical confidence thresholds required to predict the impact of this variant on MYO7A protein function. In summary, the available evidence is currently insufficient to determine the role of this variant in disease. Therefore, it has been classified as a Variant of Uncertain Significance.

NM_000260.4(MYO7A):c.410T>C (p.Ile137Thr)

Gene: MYO7A (myosin VIIA; plus strand). Cytogenetic location: 11q13.5.
Variant type: single nucleotide variant.
Coding change: c.410T>C on transcript NM_000260.4 (MANE Select); coding-DNA position 410, T replaced by C.
Protein change: p.Ile137Thr; replaces isoleucine 137 with threonine.
Molecular consequence: missense variant.
Genome position (GRCh38, 1-based): chr11:77,156,031, T>C. VCF-style: chr11-77156031-T-C. GRCh37 (hg19) VCF-style: chr11-76867077-T-C.
Other names: c.410T>C, p.Ile137Thr (NM_001127180.2); c.377T>C, p.Ile126Thr (NM_001369365.1); short protein forms I126T, I137T.
Identifiers: ClinVar variation 1017816 (VCV001017816.8), dbSNP rs1952431226, ClinGen allele CA381931522.